The following is an entry in ClinVar:

ClinVar aggregate classification (germline): Pathogenic/Likely pathogenic. Review status: criteria provided, multiple submitters, no conflicts (2 of 4 stars). 13 submissions from 13 submitters: Pathogenic (10); Likely pathogenic (2). 1 of the submissions does not count toward it. Last evaluated 2025-12-29.

Conditions:
Hereditary nonpolyposis colorectal neoplasms. Identifiers: MedGen C0009405, MeSH D003123.
Breast and/or ovarian cancer. Identifiers: MedGen CN221562.
Hereditary cancer-predisposing syndrome. Also called: Tumor predisposition; Hereditary neoplastic syndrome; Hereditary Cancer Syndrome; Neoplastic Syndromes, Hereditary. Identifiers: Orphanet 140162, MedGen C0027672, MeSH D009386, MONDO:0015356.
Lynch syndrome. Identifiers: Orphanet 144, MedGen C4552100, MONDO:0005835. Disease mechanism: loss of function.
Lynch syndrome 5 (LYNCH5). Also called: Hereditary non-polyposis colorectal cancer, type 5; Colorectal cancer, hereditary nonpolyposis, type 5. Identifiers: Orphanet 144, MedGen C1833477, MONDO:0013710, OMIM 614350. Disease mechanism: loss of function.

Allele frequency attached by ClinVar (database versions not stated): ExAC 0.00001; gnomAD exomes 0.00001.

Submissions (13):

Center for Genomic Medicine, Rigshospitalet, Copenhagen University Hospital
Classification: Pathogenic. Last evaluated: 2025-12-29. Review status: criteria provided, single submitter. Criteria: ACMG Guidelines, 2015. Collection method: clinical testing. Allele origin: germline.

Color Diagnostics, LLC DBA Color Health
Classification: Pathogenic for Hereditary cancer-predisposing syndrome. Last evaluated: 2025-06-17. Review status: criteria provided, single submitter. Criteria: ACMG Guidelines, 2015. Collection method: clinical testing. Allele origin: germline.
Comment: This variant inserts 1 nucleotide in exon 4 of the MSH6 gene, creating a frameshift and premature translation stop signal. This variant is expected to result in an absent or non-functional protein product. This variant has been reported in two families affected with Lynch syndrome (PMID: 27601186). This variant has been identified in 2/250978 chromosomes in the general population by the Genome Aggregation Database (gnomAD). Loss of MSH6 function is a known mechanism of disease. Based on the available evidence, this variant is classified as Pathogenic.

Labcorp Genetics (formerly Invitae), Labcorp
Classification: Pathogenic for Hereditary nonpolyposis colorectal neoplasms. Last evaluated: 2025-05-21. Review status: criteria provided, single submitter. Criteria: Invitae Variant Classification Sherloc (09022015). Collection method: clinical testing. Allele origin: germline.
Comment: This sequence change creates a premature translational stop signal (p.Ile927Asnfs*8) in the MSH6 gene. It is expected to result in an absent or disrupted protein product. Loss-of-function variants in MSH6 are known to be pathogenic (PMID: 18269114, 24362816). This variant is present in population databases (rs763978082, gnomAD 0.002%). This premature translational stop signal has been observed in individual(s) with clinical indications of hereditary cancer syndromes, such as Lynch syndrome (PMID: 24763289, 27601186). ClinVar contains an entry for this variant (Variation ID: 142168). For these reasons, this variant has been classified as Pathogenic.

Department of Clinical Genetics, Copenhagen University Hospital, Rigshospitalet
Classification: Likely pathogenic for Lynch syndrome. Last evaluated: 2025-02-04. Review status: criteria provided, single submitter. Criteria: ACMG Guidelines, 2015. Collection method: clinical testing. Allele origin: germline.
Comment: PVS1; PS4_SUP;

Institute for Genomic Medicine (IGM) Clinical Laboratory, Nationwide Children's Hospital
Classification: Pathogenic for Hereditary cancer-predisposing syndrome. Last evaluated: 2024-04-09. Review status: criteria provided, single submitter. Criteria: ACMG Guidelines, 2015. Collection method: clinical testing. Allele origin: germline.
Comment: This variant is predicted to result in loss of function through nonsense-mediated decay of the encoded transcript or premature truncation of the encoded protein in a gene in which loss of function is a known mechanism of disease (ACMG/AMP: PVS1). This variant has been reported at an elevated frequency in affected individuals/in multiple affected individuals in the literature (ACMG/AMP: PS4_Moderate; PMIDs:24763289, 27601186). This variant is absent from or present at an exceedingly low frequency in gnomAD, a large-scale control population database (ACMG/AMP: PM2).

Myriad Genetics, Inc.
Classification: Pathogenic for Lynch syndrome 5. Last evaluated: 2023-08-21. Review status: criteria provided, single submitter. Criteria: Myriad Autosomal Dominant, Autosomal Recessive and X-Linked Classification Criteria (2023). Collection method: clinical testing. Allele origin: unknown.
Comment: This variant is considered pathogenic. This variant creates a frameshift predicted to result in premature protein truncation.

CeGaT Center for Human Genetics Tuebingen
Classification: Pathogenic. Last evaluated: 2023-06-01. Review status: criteria provided, single submitter. Criteria: CeGaT Center For Human Genetics Tuebingen Variant Classification Criteria Version 2. Collection method: clinical testing. Allele origin: germline. Affected: yes. Observed: 1 variant allele.
Comment: MSH6: PVS1, PM2

Clinical Genetics Laboratory, Skane University Hospital Lund
Classification: Pathogenic. Last evaluated: 2022-06-17. Review status: criteria provided, single submitter. Criteria: ACMG Guidelines, 2015. Collection method: clinical testing. Allele origin: germline. Affected: yes.

Laboratory for Molecular Medicine, Mass General Brigham Personalized Medicine
Classification: Likely pathogenic for Lynch syndrome. Last evaluated: 2020-05-13. Review status: criteria provided, single submitter. Criteria: ACMG Guidelines, 2015. Collection method: clinical testing. Allele origin: germline.
Comment: The p.Ile927AsnfsX8 variant in MSH6 has been reported in 1 individual undergoing familial cancer panel testing (LaDuca 2014). It has also been identified in 0.002% (2/113400) of European chromosomes by gnomAD. This variant is predicted to cause a frameshift, which alters the protein’s amino acid sequence beginning at position 927 and leads to a premature termination codon 8 amino acids downstream. This alteration is then predicted to lead to a truncated or absent protein. Loss of function of the MSH6 gene is an established disease mechanism in autosomal dominant Lynch syndrome. In summary, this variant meets criteria to be classified as pathogenic for autosomal dominant Lynch syndrome. ACMG/AMP Criteria applied: PVS1, PM2.

GeneDx
Classification: Pathogenic. Last evaluated: 2017-01-10. Review status: criteria provided, single submitter. Criteria: GeneDx Variant Classification (06012015). Collection method: clinical testing. Allele origin: germline. Affected: yes.
Comment: This duplication of one nucleotide in MSH6 is denoted c.2779dupA at the cDNA level and p.Ile927AsnfsX8 (I927NfsX8) at the protein level. The normal sequence, with the base that is duplicated in brackets, is ACTT[A]TTAC. The duplication causes a frameshift, which changes an Isoleucine to an Asparagine at codon 927, and creates a premature stop codon at position 8 of the new reading frame. This variant is predicted to cause loss of normal protein function through either protein truncation or nonsense-mediated mRNA decay. MSH6 c.2779dupA has been identified in an individual undergoing hereditary cancer panel testing (LaDuca 2014). We consider this variant to be pathogenic.

Clinical Genetics and Genomics, Karolinska University Hospital
Classification: Pathogenic. Last evaluated: 2016-05-06. Review status: criteria provided, single submitter. Criteria: ACMG Guidelines, 2015. Collection method: clinical testing. Allele origin: germline. Affected: yes. Observed: 8 variant alleles.

Ambry Genetics
Classification: Pathogenic for Hereditary cancer-predisposing syndrome. Last evaluated: 2013-01-22. Review status: criteria provided, single submitter. Criteria: Ambry Autosomal Dominant and X-Linked criteria (10/2015). Collection method: clinical testing. Allele origin: germline. Observed: 1 variant allele.
Comment: This alteration is expected to result in loss of function by premature protein truncation or nonsense-mediatedâ€¯mRNAâ€¯decay.â€¯As such, this alteration is interpreted as a disease-causing mutation.

CZECANCA consortium
Classification: Pathogenic for Breast and/or ovarian cancer. Last evaluated: 2019-06-11. Review status: no assertion criteria provided. Collection method: clinical testing. Allele origin: germline. Affected: yes. Observed: 1 variant allele. Not counted in ClinVar's aggregate classification.

Literature cited by the submitters: PubMed 27601186 (cited by 4 submitters); PubMed 18269114 (cited by Labcorp Genetics (formerly Invitae), Labcorp); PubMed 24362816 (cited by Labcorp Genetics (formerly Invitae), Labcorp); PubMed 24763289 (cited by 4 submitters); PubMed 32295079 (cited by CZECANCA consortium).

NM_000179.3(MSH6):c.2779dup (p.Ile927fs)

Gene: MSH6 (mutS homolog 6; plus strand). Cytogenetic location: 2p16.3.
Variant type: Duplication.
Coding change: c.2779dup on transcript NM_000179.3 (MANE Select); coding-DNA position 2779, one base duplicated (A; older notation c.2779dupA).
Protein change: p.Ile927fs; shifts the reading frame from isoleucine 927.
Molecular consequence: frameshift variant.
Genome position (GRCh38, 1-based): chr2:47,800,762, A duplicated. VCF-style (leftmost placement, unchanged base first): chr2-47800761-T-TA. GRCh37 (hg19) VCF-style: chr2-48027900-T-TA.
Other names: c.2779dupA (NM_000179.3, NM_000179.2); c.2389dup, p.Ile797fs (NM_001281492.2); c.1873dup, p.Ile625fs (NM_001281493.2, NM_001281494.2); short protein forms I927fs, I797fs, I625fs.
Identifiers: ClinVar variation 142168 (VCV000142168.49), dbSNP rs587782277, ClinGen allele CA010899.